The following is an entry in ClinVar:

ClinVar aggregate classification (germline): Pathogenic (1 of 4 stars; one submission).

Submission:

Labcorp Genetics (formerly Invitae), Labcorp
Classification: Pathogenic. Last evaluated: 2025-03-03. Review status: criteria provided, single submitter. Criteria: Invitae Variant Classification Sherloc (09022015). Collection method: clinical testing. Allele origin: germline.
Comment: This sequence change creates a premature translational stop signal (p.Val551Phefs*10) in the POLE gene. It is expected to result in an absent or disrupted protein product. Loss-of-function variants in POLE are known to be pathogenic (PMID: 23230001, 25948378, 30503519). This variant is not present in population databases (gnomAD no frequency). This variant has not been reported in the literature in individuals affected with POLE-related conditions. ClinVar contains an entry for this variant (Variation ID: 1966452). For these reasons, this variant has been classified as Pathogenic.

Literature cited by the submitters: PubMed 23230001; PubMed 25948378; PubMed 30503519.

NM_006231.4(POLE):c.1647_1648del (p.Val551fs)

Gene: POLE (DNA polymerase epsilon, catalytic subunit; minus strand). Cytogenetic location: 12q24.33.
Variant type: Deletion.
Coding change: c.1647_1648del on transcript NM_006231.4 (MANE Select); coding-DNA positions 1647 to 1648, 2 bases deleted (TG; older notation c.1647_1648delTG).
Protein change: p.Val551fs; shifts the reading frame from valine 551.
Molecular consequence: frameshift variant.
Genome position (GRCh38, 1-based): chr12:132,672,665-132,672,666, CA deleted on the plus strand (TG on the coding strand, the reverse complement: POLE is on the minus strand). VCF-style (leftmost placement, unchanged base first): chr12-132672664-CCA-C. GRCh37 (hg19) VCF-style: chr12-133249250-CCA-C.
Other names: short protein forms V551fs.
Identifiers: ClinVar variation 1966452 (VCV001966452.5), dbSNP rs2542134020, ClinGen allele CA2580085998.